The following is an entry in ClinVar:

NM_020928.2(ZSWIM6):c.677-4C>G

Gene: ZSWIM6 (zinc finger SWIM-type containing 6; plus strand). Cytogenetic location: 5q12.1.
Variant type: single nucleotide variant.
Coding change: c.677-4C>G on transcript NM_020928.2 (MANE Select); 4 bases into the intron before coding-DNA position 677, C replaced by G.
Molecular consequence: intron variant.
Genome position (GRCh38, 1-based): chr5:61,472,677, C>G. VCF-style: chr5-61472677-C-G. GRCh37 (hg19) VCF-style: chr5-60768504-C-G.
Identifiers: ClinVar variation 3063749 (VCV003063749.1), dbSNP rs2479004777, ClinGen allele CA2740091727.

ClinVar aggregate classification (germline): Uncertain significance (1 of 4 stars; one submission).

Submission:

Women's Health and Genetics/Laboratory Corporation of America, LabCorp
Classification: Uncertain significance. Last evaluated: 2024-01-03. Review status: criteria provided, single submitter. Criteria: LabCorp Variant Classification Summary - May 2015. Collection method: clinical testing. Allele origin: germline.
Comment: Variant summary: ZSWIM6 c.677-4C>G alters a non-conserved nucleotide located close to a canonical splice site and therefore could affect mRNA splicing, leading to a significantly altered protein sequence. Consensus agreement among computation tools predict no significant impact on normal splicing. However, these predictions have yet to be confirmed by functional studies. The variant was absent in 122270 control chromosomes. The available data on variant occurrences in the general population are insufficient to allow any conclusion about variant significance. To our knowledge, no occurrence of c.677-4C>G in individuals affected with ZSWIM6-Related Disorders and no experimental evidence demonstrating its impact on protein function have been reported. No submitters have cited clinical-significance assessments for this variant to ClinVar after 2014. Based on the evidence outlined above, the variant was classified as uncertain significance.